The following is an entry in ClinVar:

ClinVar aggregate classification (germline): Pathogenic/Likely pathogenic. Review status: criteria provided, multiple submitters, no conflicts (2 of 4 stars). 5 submissions from 5 submitters: Pathogenic (1); Likely pathogenic (4). Last evaluated 2026-09-24.

Conditions:
Inborn genetic diseases. Identifiers: MedGen C0950123, MeSH D030342.
Mitochondrial DNA depletion syndrome 13. Also called: Mitochondrial DNA depletion syndrome 13 (encephalomyopathic type); FBXL4-Related Encephalomyopathic Mitochondrial DNA Depletion Syndrome. Identifiers: Orphanet 369897, MedGen C3809592, MONDO:0014198, OMIM 615471.
Leigh syndrome (NULS). Also called: Leigh's necrotizing encephalopathy; Leigh's disease; Leigh Syndrome (mtDNA deletion); Leigh's syndrome; Leigh Disease; LEIGH SYNDROME, NUCLEAR. Identifiers: Orphanet 506, MedGen C2931891, MONDO:0009723, OMIM 256000.

Allele frequency attached by ClinVar (database versions not stated): TOPMed 0.00002; gnomAD exomes 0.00002; ExAC 0.00002.
gnomAD v4.1: 22 of 1,613,600 alleles (0.0014%); highest among the groups gnomAD compares: Admixed American, 0.0033%; no homozygotes.

Submissions (5):

GeneDx
Classification: Likely pathogenic. Last evaluated: 2026-09-24. Review status: criteria provided, single submitter. Criteria: GeneDx Variant Classification Process June 2021. Collection method: clinical testing. Allele origin: germline.
Comment: Identified in two patients with clinical features consistent with encephalomyopathic mitochondrial DNA depletion syndrome who were also heterozygous for a second missense variant in FBXL4 (PMID: 25868664); Not observed at significant frequency in large population cohorts (gnomAD); In silico analysis suggests that this missense variant does not alter protein structure/function; This variant is associated with the following publications: (PMID: 32154989, 10531035, 23993194, 23993193, 27743463, 28940506, 25868664, 34056100)

Labcorp Genetics (formerly Invitae), Labcorp
Classification: Likely pathogenic. Last evaluated: 2025-10-01. Review status: criteria provided, single submitter. Criteria: Invitae Variant Classification Sherloc (09022015). Collection method: clinical testing. Allele origin: germline.
Comment: This sequence change replaces arginine, which is basic and polar, with glutamine, which is neutral and polar, at codon 435 of the FBXL4 protein (p.Arg435Gln). This variant is present in population databases (rs754142863, gnomAD 0.006%). This missense change has been observed in individuals with clinical features of mitochondrial DNA depletion syndrome (PMID: 25868664, 34056100). ClinVar contains an entry for this variant (Variation ID: 430470). Invitae Evidence Modeling of protein sequence and biophysical properties (such as structural, functional, and spatial information, amino acid conservation, physicochemical variation, residue mobility, and thermodynamic stability) indicates that this missense variant is expected to disrupt FBXL4 protein function with a positive predictive value of 95%. This variant disrupts the p.Arg435 amino acid residue in FBXL4. Other variant(s) that disrupt this residue have been observed in individuals with FBXL4-related conditions (PMID: 25868664, 28940506), which suggests that this may be a clinically significant amino acid residue. In summary, the currently available evidence indicates that the variant is pathogenic, but additional data are needed to prove that conclusively. Therefore, this variant has been classified as Likely Pathogenic.

Women's Health and Genetics/Laboratory Corporation of America, LabCorp
Classification: Likely pathogenic for Leigh syndrome. Last evaluated: 2024-09-09. Review status: criteria provided, single submitter. Criteria: LabCorp Variant Classification Summary - May 2015. Collection method: clinical testing. Allele origin: germline.
Comment: Variant summary: FBXL4 c.1304G>A (p.Arg435Gln) results in a conservative amino acid change in the encoded protein sequence. Three of five in-silico tools predict a damaging effect of the variant on protein function. The variant allele was found at a frequency of 1.6e-05 in 250918 control chromosomes. The available data on variant occurrences in the general population are insufficient to allow any conclusion about variant significance. c.1304G>A has been reported in the literature in at least two compound heterozygotes and one homozygote affected with complex multisystem mitochondrial disorders (e.g., Huemer_2015, Forny_2021). These data indicate that the variant is likely to be associated with disease. To our knowledge, no experimental evidence demonstrating an impact on protein function has been reported. The following publications have been ascertained in the context of this evaluation (PMID: 34056100, 25868664). ClinVar contains an entry for this variant (Variation ID: 430470). Based on the evidence outlined above, the variant was classified as likely pathogenic.

Wong Mito Lab, Molecular and Human Genetics, Baylor College of Medicine
Classification: Likely pathogenic for Mitochondrial DNA depletion syndrome 13. Last evaluated: 2017-08-10. Review status: criteria provided, single submitter. Criteria: ACMG Guidelines, 2015. Collection method: clinical testing. Allele origin: germline. Affected: yes.
Comment: The NM_012160.4:c.1304G>A (NP_036292.2:p.Arg435Gln) [GRCH38: NC_000006.12:g.98899281C>T] variant in FBXL4 gene is interpretated to be a Likely Pathogenic based on ACMG guidelines (PMID: 25741868). This variant has been reported in PMID:25868664 . This variant meets one or more of the following evidence codes reported in the ACMG-guideline. PM2:This variant is absent in key population databases. PM3:Detected in trans with a pathogenic variant for Mitochondrial DNA depletion syndrome 13 which is a recessive disorder. PP1:This variant is co-segregated with Mitochondrial DNA depletion syndrome 13 in multiple affected family members. PP2:This is a missense variant in FBXL4 with a low rate of benign and high rate of pathogenic missense variations. PP4:Patientâ€™s phenotype or family history is highly specific for FBXL4. PP5:Reputable source(s) suggest that the variant is pathogenic. Based on this evidence code ClinGen Pathogenicity Calculator (PMID:28081714) suggested that the variant is Likely Pathogenic.

Ambry Genetics
Classification: Pathogenic for Inborn genetic diseases. Last evaluated: 2016-10-10. Review status: criteria provided, single submitter. Criteria: Ambry exome assertion method (8-5-2015). Collection method: clinical testing. Allele origin: germline. Affected: yes. Observed: 2 variant alleles.

Literature cited by the submitters: PubMed 25868664 (cited by 3 submitters); PubMed 34056100 (cited by Labcorp Genetics (formerly Invitae), Labcorp and Women's Health and Genetics/Laboratory Corporation of America, LabCorp); PubMed 28940506 (cited by Labcorp Genetics (formerly Invitae), Labcorp).

NM_001278716.2(FBXL4):c.1304G>A (p.Arg435Gln)

Gene: FBXL4 (F-box and leucine rich repeat protein 4; minus strand). Cytogenetic location: 6q16.1.
Variant type: single nucleotide variant.
Coding change: c.1304G>A on transcript NM_001278716.2 (MANE Select); coding-DNA position 1304, G replaced by A.
Protein change: p.Arg435Gln; replaces arginine 435 with glutamine.
Molecular consequence: missense variant. On other transcripts: non-coding transcript variant (2).
Genome position (GRCh38, 1-based): chr6:98,899,281, C>T on the plus strand (G>A on the coding strand, the complement: FBXL4 is on the minus strand). VCF-style: chr6-98899281-C-T. GRCh37 (hg19) VCF-style: chr6-99347157-C-T.
Other names: c.1304G>A, p.Arg435Gln (NM_012160.5); short protein forms R435Q.
Identifiers: ClinVar variation 430470 (VCV000430470.12), dbSNP rs754142863, ClinGen allele CA3933489.